The following is an entry in ClinVar:

ClinVar aggregate classification (germline): Uncertain significance (1 of 4 stars; one submission).

Allele frequency attached by ClinVar (database versions not stated): TOPMed below 0.00001; ExAC 0.00001; gnomAD 0.00001; gnomAD exomes 0.00001.
gnomAD v4.1: 18 of 1,596,396 alleles (0.0011%); highest among the groups gnomAD compares: Non-Finnish European, 0.0015%; no homozygotes.

Submission:

Labcorp Genetics (formerly Invitae), Labcorp
Classification: Uncertain significance. Last evaluated: 2022-01-28. Review status: criteria provided, single submitter. Criteria: Invitae Variant Classification Sherloc (09022015). Collection method: clinical testing. Allele origin: germline.
Comment: In summary, the available evidence is currently insufficient to determine the role of this variant in disease. Therefore, it has been classified as a Variant of Uncertain Significance. Algorithms developed to predict the effect of missense changes on protein structure and function (SIFT, PolyPhen-2, Align-GVGD) all suggest that this variant is likely to be tolerated. This variant has not been reported in the literature in individuals affected with ZNF341-related conditions. This variant is present in population databases (rs755271713, gnomAD 0.0009%). This sequence change replaces proline, which is neutral and non-polar, with leucine, which is neutral and non-polar, at codon 833 of the ZNF341 protein (p.Pro833Leu).

NM_001282933.2(ZNF341):c.2519C>T (p.Pro840Leu)

Genes: ZNF341 (zinc finger protein 341; plus strand), ZNF341-AS1 (ZNF341 antisense RNA 1; minus strand). Cytogenetic location: 20q11.22.
Variant type: single nucleotide variant.
Coding change: c.2519C>T on transcript NM_001282933.2 (MANE Select); coding-DNA position 2519, C replaced by T.
Protein change: p.Pro840Leu; replaces proline 840 with leucine.
Molecular consequence: missense variant. On other transcripts: non-coding transcript variant (1).
Genome position (GRCh38, 1-based): chr20:33,791,471, C>T. VCF-style: chr20-33791471-C-T. GRCh37 (hg19) VCF-style: chr20-32379277-C-T.
Other names: c.2249C>T, p.Pro750Leu (NM_001282935.2); c.2498C>T, p.Pro833Leu (NM_032819.5); short protein forms P750L, P833L, P840L.
Identifiers: ClinVar variation 2416160 (VCV002416160.6), dbSNP rs755271713, ClinGen allele CA9819828.